The following is an entry in ClinVar:

ClinVar aggregate classification (germline): Likely benign. Review status: criteria provided, multiple submitters, no conflicts (2 of 4 stars). 3 submissions from 3 submitters: Likely benign (3). Last evaluated 2026-02-01.

Conditions:
Familial hypercholesterolemia. Also called: Familial hypercholesterolemias; Familial hypercholesterolaemia. Identifiers: MedGen C0020445, MONDO:0005439.
Familial hypobetalipoproteinemia 1. Also called: APOB-Related Familial Hypobetalipoproteinemia; Hypobetalipoproteinemia, normotriglyceridemic; Acanthocytosis with hypobetalipoproteinemia. Identifiers: MedGen C4551990, MONDO:0014252, OMIM 615558.
Hypercholesterolemia, autosomal dominant, type B (FHCL2). Also called: Familial Hypercholesterolemia Type B; APOLIPOPROTEIN B-100, FAMILIAL DEFECTIVE; APOLIPOPROTEIN B-100, FAMILIAL LIGAND-DEFECTIVE; HYPERCHOLESTEROLEMIA, FAMILIAL, DUE TO LIGAND-DEFECTIVE APOLIPOPROTEIN B; APOB-Related Familial Hypercholesterolemia, Autosomal Dominant; Hyperlipoproteinemia Type IIb. Identifiers: MedGen C1704417, MONDO:0007751, OMIM 144010.
Cardiovascular phenotype. Identifiers: MedGen CN230736.

gnomAD v4.1: 3 of 1,613,980 alleles (0.00019%); highest among the groups gnomAD compares: Non-Finnish European, 0.00017%; no homozygotes.

Submissions (3):

Labcorp Genetics (formerly Invitae), Labcorp
Classification: Likely benign for Familial hypobetalipoproteinemia 1; Hypercholesterolemia, autosomal dominant, type B. Last evaluated: 2026-02-01. Review status: criteria provided, single submitter. Criteria: Invitae Variant Classification Sherloc (09022015). Collection method: clinical testing. Allele origin: germline.

Ambry Genetics
Classification: Likely benign for Cardiovascular phenotype. Last evaluated: 2025-07-09. Review status: criteria provided, single submitter. Criteria: Ambry Variant Classification Scheme 2023. Collection method: clinical testing. Allele origin: germline.

GENinCode PLC
Classification: Likely benign for Familial hypercholesterolemia. Last evaluated: 2025-01-13. Review status: criteria provided, single submitter. Criteria: ACMG Guidelines, 2015. Collection method: clinical testing. Allele origin: germline.
Comment: This is a synonymous (silent) variant that is not predicted to impact splicing and occurs at a nucleotide which is not highly conserved. This variant has been classified as Likely Benign (BP4, BP7).

NM_000384.3(APOB):c.10764C>T (p.Thr3588=)

Gene: APOB (apolipoprotein B; minus strand). Cytogenetic location: 2p24.1.
Variant type: single nucleotide variant.
Coding change: c.10764C>T on transcript NM_000384.3 (MANE Select); coding-DNA position 10764, C replaced by T.
Protein change: p.Thr3588=; no amino-acid change (threonine 3588 retained).
Molecular consequence: synonymous variant.
Genome position (GRCh38, 1-based): chr2:21,006,104, G>A on the plus strand (C>T on the coding strand, the complement: APOB is on the minus strand). VCF-style: chr2-21006104-G-A. GRCh37 (hg19) VCF-style: chr2-21228976-G-A.
Identifiers: ClinVar variation 4077003 (VCV004077003.3).